The following is an entry in ClinVar:

NM_006642.5(SDCCAG8):c.1833A>G (p.Glu611=)

Gene: SDCCAG8 (SHH signaling and ciliogenesis regulator SDCCAG8; plus strand). Cytogenetic location: 1q43.
Variant type: single nucleotide variant.
Coding change: c.1833A>G on transcript NM_006642.5 (MANE Select); coding-DNA position 1833, A replaced by G.
Protein change: p.Glu611=; no amino-acid change (glutamic acid 611 retained).
Molecular consequence: synonymous variant.
Genome position (GRCh38, 1-based): chr1:243,418,056, A>G. VCF-style: chr1-243418056-A-G. GRCh37 (hg19) VCF-style: chr1-243581358-A-G.
Other names: c.930A>G, p.Glu310= (NM_001350246.2, NM_001350247.2, NM_001350251.2); c.1929A>G, p.Glu643= (NM_001350248.2); c.1539A>G, p.Glu513= (NM_001350249.2); c.1833A>G (NM_006642.3).
Identifiers: ClinVar variation 2167893 (VCV002167893.5), dbSNP rs753503326, ClinGen allele CA1483748.
Genomic context (GRCh38, chr1:243,418,056, plus strand): 5'-CCAGAATACATTTTTGACAAAGTTAAAGGAAGAATGCTGTACATTAGCCAAGAAACTGGA[A>G]CAAATCTCTCAAAAAACCAGGTAGGTGATGTTATAGAATACTTTCAAGAGCACTGTTTGT-3'
Protein context (NP_006633.1, residues 601-621): EECCTLAKKL[Glu611=]QISQKTRSEI

ClinVar aggregate classification (germline): Likely benign. Review status: criteria provided, multiple submitters, no conflicts (2 of 4 stars). 2 submissions from 2 submitters: Likely benign (2). Last evaluated 2025-11-03.

Conditions:
SDCCAG8-related disorder. Also called: SDCCAG8-Related Disorders; SDCCAG8-related condition.
Bardet-Biedl syndrome 16 (BBS16). Identifiers: Orphanet 110, MedGen C3889474, MONDO:0014444, OMIM 615993.
Senior-Loken syndrome 7 (SLSN7). Identifiers: Orphanet 3156, MedGen C3150877, MONDO:0013326, OMIM 613615.

Allele frequency attached by ClinVar (database versions not stated): TOPMed below 0.00001; gnomAD 0.00001; ExAC 0.00002.
gnomAD v4.1: 12 of 1,612,008 alleles (0.00074%); highest among the groups gnomAD compares: Middle Eastern, 0.016%; no homozygotes.

Submissions (2):

Labcorp Genetics (formerly Invitae), Labcorp
Classification: Likely benign for Bardet-Biedl syndrome 16; Senior-Loken syndrome 7. Last evaluated: 2025-11-03. Review status: criteria provided, single submitter. Criteria: Invitae Variant Classification Sherloc (09022015). Collection method: clinical testing. Allele origin: germline.

PreventionGenetics, part of Exact Sciences
Classification: Likely benign for SDCCAG8-related condition. Last evaluated: 2025-02-20. Review status: criteria provided, single submitter. Criteria: ACMG Guidelines, 2015. Collection method: clinical testing. Allele origin: germline.
Comment: This variant is classified as likely benign based on ACMG/AMP sequence variant interpretation guidelines (Richards et al. 2015 PMID: 25741868, with internal and published modifications).